The following is an entry in ClinVar:

NM_000059.4(BRCA2):c.9275A>C (p.Tyr3092Ser)

Gene: BRCA2 (BRCA2 DNA repair associated; plus strand). Cytogenetic location: 13q13.1.
Variant type: single nucleotide variant.
Coding change: c.9275A>C on transcript NM_000059.4 (MANE Select); coding-DNA position 9275, A replaced by C.
Protein change: p.Tyr3092Ser; replaces tyrosine 3092 with serine.
Molecular consequence: missense variant.
Genome position (GRCh38, 1-based): chr13:32,394,707, A>C. VCF-style: chr13-32394707-A-C. GRCh37 (hg19) VCF-style: chr13-32968844-A-C.
Other names: short protein forms Y3092S.
Identifiers: ClinVar variation 52799 (VCV000052799.22), dbSNP rs80359195, ClinGen allele CA026080.

ClinVar aggregate classification (germline): Uncertain significance. Review status: criteria provided, multiple submitters, no conflicts (2 of 4 stars). 7 submissions from 7 submitters: Uncertain significance (5). 2 of the submissions do not count toward it. Last evaluated 2026-01-15.

Conditions:
Hereditary breast ovarian cancer syndrome. Also called: Hereditary breast and ovarian cancer syndrome; Hereditary breast and ovarian cancer; Hereditary breast and ovarian cancer syndrome (HBOC); Breast and ovarian cancer; Hereditary breast and/or ovarian cancer syndrome; BRCA1- and BRCA2-Associated Hereditary Breast and Ovarian Cancer. Identifiers: Orphanet 145, MedGen C0677776, MeSH D061325, MONDO:0003582. Disease mechanism: loss of function.
Hereditary cancer-predisposing syndrome. Also called: Neoplastic Syndromes, Hereditary; Tumor predisposition; Hereditary neoplastic syndrome; Hereditary Cancer Syndrome. Identifiers: Orphanet 140162, MedGen C0027672, MeSH D009386, MONDO:0015356.
Breast-ovarian cancer, familial, susceptibility to, 2 (BROVCA2). Also called: BRCA2 Hereditary Breast and Ovarian Cancer. Identifiers: Orphanet 145, MedGen C2675520, MONDO:0012933, OMIM 612555. Disease mechanism: loss of function.

Submissions (7):

Labcorp Genetics (formerly Invitae), Labcorp
Classification: Uncertain significance for Hereditary breast ovarian cancer syndrome. Last evaluated: 2026-01-15. Review status: criteria provided, single submitter. Criteria: Invitae Variant Classification Sherloc (09022015). Collection method: clinical testing. Allele origin: germline.
Comment: This sequence change replaces tyrosine, which is neutral and polar, with serine, which is neutral and polar, at codon 3092 of the BRCA2 protein (p.Tyr3092Ser). This variant is not present in population databases (gnomAD no frequency). This missense change has been observed in individual(s) with breast cancer (PMID: 10923033, 21120943, 24916970). ClinVar contains an entry for this variant (Variation ID: 52799). Invitae Evidence Modeling of protein sequence and biophysical properties (such as structural, functional, and spatial information, amino acid conservation, physicochemical variation, residue mobility, and thermodynamic stability) indicates that this missense variant is not expected to disrupt BRCA2 protein function with a negative predictive value of 95%. Experimental studies are conflicting or provide insufficient evidence to determine the effect of this variant on BRCA2 function (PMID: 23108138, 24323938, 29394989, 29988080). In summary, the available evidence is currently insufficient to determine the role of this variant in disease. Therefore, it has been classified as a Variant of Uncertain Significance.

All of Us Research Program, National Institutes of Health
Classification: Uncertain significance for Breast-ovarian cancer, familial, susceptibility to, 2. Last evaluated: 2023-11-02. Review status: criteria provided, single submitter. Criteria: ACMG Guidelines, 2015. Collection method: clinical testing. Allele origin: germline. Inheritance: Autosomal dominant inheritance. Observed: 1 variant allele, 1 heterozygote.
Comment: This missense variant replaces tyrosine with serine at codon 3092 of the BRCA2 protein. Computational prediction tools and conservation analyses suggest that this variant may have deleterious impact on protein structure and function. Splice site prediction tools suggest that this variant may not impact RNA splicing. A functional study reported the variant protein to have intermediate activity compared to wild-type in a homology-directed DNA repair assay (PMID: 23108138, 29394989). This variant has been reported in an individual affected with breast cancer (PMID: 24916970) and at least one individual with personal or family history of breast and/or ovarian cancer (PMID: 21120943). This variant has not been identified in the general population by the Genome Aggregation Database (gnomAD). The available evidence is insufficient to determine the role of this variant in disease conclusively. Therefore, this variant is classified as a Variant of Uncertain Significance.

This study involves interpretation of variants in research participants for the purpose of population health screening. Participant phenotype was not available at the time of variant classification. Additional details can be found in publication PMID: 35346344, PMCID: PMC8962531

Color Diagnostics, LLC DBA Color Health
Classification: Uncertain significance for Hereditary cancer-predisposing syndrome. Last evaluated: 2023-10-16. Review status: criteria provided, single submitter. Criteria: ACMG Guidelines, 2015. Collection method: clinical testing. Allele origin: germline.
Comment: This missense variant replaces tyrosine with serine at codon 3092 of the BRCA2 protein. Computational prediction tools and conservation analyses suggest that this variant may have deleterious impact on protein structure and function. Functional studies have reported the variant protein to have intermediate activity relative to wild-type BRCA2 in homology-directed DNA repair assays (PMID: 23108138, 29394989, 29988080), and increased sensitivity to cisplatin and no impact on cell viability in Brca2-deficient mouse embryonic stem cells (PMID: 29988080). This variant has not been reported in individuals affected with BRCA2-related disorders in the literature. This variant has not been identified in the general population by the Genome Aggregation Database (gnomAD). The available evidence is insufficient to determine the role of this variant in disease conclusively. Therefore, this variant is classified as a Variant of Uncertain Significance.

Ambry Genetics
Classification: Uncertain significance for Hereditary cancer-predisposing syndrome. Last evaluated: 2023-02-01. Review status: criteria provided, single submitter. Criteria: Ambry Variant Classification Scheme 2023. Collection method: clinical testing. Allele origin: germline.
Comment: The p.Y3092S variant (also known as c.9275A>C), located in coding exon 24 of the BRCA2 gene, results from an A to C substitution at nucleotide position 9275. The tyrosine at codon 3092 is replaced by serine, an amino acid with dissimilar properties. In a study utilizing a bioinformatics method that integrates information about protein sequence, conservation, and structure in a protein likelihood ratio, the effect of this alteration was predicted likely deleterious (Karchin R et al. Cancer Inform. 2008;6:203-16). Multiple studies found that this alteration had intermediate activity in a cell-based homology-directed DNA break repair (HDR) functional assay (Hart SN et al. Genet Med, 2019 01;21:71-80; Mesman RLS et al. Genet. Med., 2019 02;21:293-302; Guidugli L et al. Am. J. Hum. Genet., 2018 02;102:233-248; Guidugli L et al. Cancer Res., 2013 Jan;73:265-75). This amino acid position is highly conserved in available vertebrate species. In addition, this alteration is predicted to be deleterious by in silico analysis. Since supporting evidence is limited at this time, the clinical significance of this alteration remains unclear.

GeneDx
Classification: Uncertain significance. Last evaluated: 2017-03-26. Review status: criteria provided, single submitter. Criteria: GeneDx Variant Classification Process June 2021. Collection method: clinical testing. Allele origin: germline. Affected: yes.
Comment: Not observed in large population cohorts (Lek et al., 2016); In silico analysis supports that this missense variant has a deleterious effect on protein structure/function; This variant is associated with the following publications: (PMID: 23108138, 24323938, 19043619, 29394989, 29988080, 29884841)

Sharing Clinical Reports Project (SCRP)
Classification: Uncertain significance for Breast-ovarian cancer, familial 2. Last evaluated: 2007-12-07. Review status: no assertion criteria provided. Collection method: clinical testing. Allele origin: germline. Not counted in ClinVar's aggregate classification.

Breast Cancer Information Core (BIC) (BRCA2)
Classification: Uncertain significance for Breast-ovarian cancer, familial 2. Last evaluated: 2001-10-29. Review status: no assertion criteria provided. Collection method: clinical testing. Allele origin: germline. Affected: yes. Observed: 1 variant allele. Not counted in ClinVar's aggregate classification.

Literature cited by the submitters: PubMed 10923033 (cited by Labcorp Genetics (formerly Invitae), Labcorp); PubMed 21120943 (cited by Labcorp Genetics (formerly Invitae), Labcorp and All of Us Research Program, National Institutes of Health); PubMed 24916970 (cited by Labcorp Genetics (formerly Invitae), Labcorp and All of Us Research Program, National Institutes of Health); PubMed 23108138 (cited by 4 submitters); PubMed 24323938 (cited by Labcorp Genetics (formerly Invitae), Labcorp); PubMed 29394989 (cited by 4 submitters); PubMed 29988080 (cited by 3 submitters); PubMed 19043619 (cited by Ambry Genetics); PubMed 29884841 (cited by Ambry Genetics).